The following is an entry in ClinVar:

ClinVar aggregate classification (germline): Uncertain significance. Review status: criteria provided, multiple submitters, no conflicts (2 of 4 stars). 3 submissions from 3 submitters: Uncertain significance (3). Last evaluated 2023-03-06.

Conditions:
Inborn genetic diseases. Identifiers: MedGen C0950123, MeSH D030342.
Congenital disorder of deglycosylation (CDDG). Identifiers: MedGen C3808991, MONDO:0031376.

Allele frequency attached by ClinVar (database versions not stated): ExAC 0.00004; gnomAD exomes 0.00004 and 0.00007; TOPMed 0.00008; gnomAD 0.00012 and 0.00013.
gnomAD v4.1: 80 of 1,611,082 alleles (0.005%); highest among the groups gnomAD compares: Admixed American, 0.038%; no homozygotes.

Submissions (3):

Ambry Genetics
Classification: Uncertain significance for Inborn genetic diseases. Last evaluated: 2023-03-06. Review status: criteria provided, single submitter. Criteria: Ambry Variant Classification Scheme 2023. Collection method: clinical testing. Allele origin: germline.

Labcorp Genetics (formerly Invitae), Labcorp
Classification: Uncertain significance for Congenital disorder of deglycosylation. Last evaluated: 2022-10-26. Review status: criteria provided, single submitter. Criteria: Invitae Variant Classification Sherloc (09022015). Collection method: clinical testing. Allele origin: germline.
Comment: This sequence change replaces glycine, which is neutral and non-polar, with aspartic acid, which is acidic and polar, at codon 220 of the NGLY1 protein (p.Gly220Asp). This variant is present in population databases (rs748862974, gnomAD 0.04%). This variant has not been reported in the literature in individuals affected with NGLY1-related conditions. ClinVar contains an entry for this variant (Variation ID: 571965). Algorithms developed to predict the effect of missense changes on protein structure and function (SIFT, PolyPhen-2, Align-GVGD) all suggest that this variant is likely to be tolerated. In summary, the available evidence is currently insufficient to determine the role of this variant in disease. Therefore, it has been classified as a Variant of Uncertain Significance.

Fulgent Genetics
Classification: Uncertain significance for Congenital disorder of deglycosylation 1. Last evaluated: 2018-10-31. Review status: criteria provided, single submitter. Criteria: ACMG Guidelines, 2015. Collection method: clinical testing. Allele origin: unknown.

NM_018297.4(NGLY1):c.659G>A (p.Gly220Asp)

Gene: NGLY1 (N-glycanase 1; minus strand). Cytogenetic location: 3p24.2.
Variant type: single nucleotide variant.
Coding change: c.659G>A on transcript NM_018297.4 (MANE Select); coding-DNA position 659, G replaced by A.
Protein change: p.Gly220Asp; replaces glycine 220 with aspartic acid.
Molecular consequence: missense variant.
Genome position (GRCh38, 1-based): chr3:25,739,799, C>T on the plus strand (G>A on the coding strand, the complement: NGLY1 is on the minus strand). VCF-style: chr3-25739799-C-T. GRCh37 (hg19) VCF-style: chr3-25781290-C-T.
Other names: c.659G>A, p.Gly220Asp (NM_001145293.2, NM_001145295.2); c.533G>A, p.Gly178Asp (NM_001145294.2); short protein forms G220D, G178D.
Identifiers: ClinVar variation 571965 (VCV000571965.7), dbSNP rs748862974, ClinGen allele CA2289404.
Genomic context (GRCh38, chr3:25,739,799, plus strand): 5'-TCTTCCTTAAACCAGTGCAAAAGCTCCAGCAAAAGAAAATCCTCATCACTTATATTGATA[C>T]CTGAGAAATTAAGGGAGGACCAAGTAAGAGCTAAAACTGACAAAATTTAAACTATCCAAA-3'
Protein context (NP_060767.2, residues 210-230): KLSRARKLDK[Gly220Asp]INISDEDFLL